The following is an entry in ClinVar:

NM_014679.5(CEP57):c.472G>C (p.Glu158Gln)

Gene: CEP57 (centrosomal protein 57; plus strand). Cytogenetic location: 11q21.
Variant type: single nucleotide variant.
Coding change: c.472G>C on transcript NM_014679.5 (MANE Select); coding-DNA position 472, G replaced by C.
Protein change: p.Glu158Gln; replaces glutamic acid 158 with glutamine.
Molecular consequence: missense variant.
Genome position (GRCh38, 1-based): chr11:95,813,557, G>C. VCF-style: chr11-95813557-G-C. GRCh37 (hg19) VCF-style: chr11-95546721-G-C.
Other names: c.445G>C, p.Glu149Gln (NM_001243776.2); c.472G>C, p.Glu158Gln (NM_001243777.2, NM_001440871.1, NM_001440872.1 and 4 more transcripts); c.391G>C, p.Glu131Gln (NM_001363604.2, NM_001440869.1, NM_001440870.1 and 3 more transcripts); c.292G>C, p.Glu98Gln (NM_001440873.1, NM_001440881.1); c.211G>C, p.Glu71Gln (NM_001440880.1); short protein forms E158Q, E131Q, E149Q, E98Q, E71Q.
Identifiers: ClinVar variation 4226390 (VCV004226390.1).

ClinVar aggregate classification (germline): Uncertain significance (1 of 4 stars; one submission).

Conditions:
Inborn genetic diseases. Identifiers: MedGen C0950123, MeSH D030342.

Submission:

Ambry Genetics
Classification: Uncertain significance for Inborn genetic diseases. Last evaluated: 2025-08-29. Review status: criteria provided, single submitter. Criteria: Ambry Variant Classification Scheme 2023. Collection method: clinical testing. Allele origin: germline.
Comment: The p.E158Q variant (also known as c.472G>C), located in coding exon 4 of the CEP57 gene, results from a G to C substitution at nucleotide position 472. The glutamic acid at codon 158 is replaced by glutamine, an amino acid with highly similar properties. This amino acid position is conserved. In addition, the in silico prediction for this alteration is inconclusive. Based on the available evidence, the clinical significance of this variant remains unclear.